The following is an entry in ClinVar:

NM_003072.5(SMARCA4):c.3809G>C (p.Ser1270Thr)

Gene: SMARCA4 (SWI/SNF related BAF chromatin remodeling complex subunit ATPase 4; plus strand). Cytogenetic location: 19p13.2.
Variant type: single nucleotide variant.
Coding change: c.3809G>C on transcript NM_003072.5 (MANE Select); coding-DNA position 3809, G replaced by C.
Protein change: p.Ser1270Thr; replaces serine 1270 with threonine.
Molecular consequence: missense variant. On other transcripts: intron variant (6).
Genome position (GRCh38, 1-based): chr19:11,033,801, G>C. VCF-style: chr19-11033801-G-C. GRCh37 (hg19) VCF-style: chr19-11144477-G-C.
Other names: c.3809G>C, p.Ser1270Thr (NM_001128844.3, NM_001128849.3, NM_001387283.1); c.3774+284G>C (NM_001128847.4, NM_001411150.1, NM_001374457.1 and 3 more transcripts); short protein forms S1270T.
Identifiers: ClinVar variation 4827339 (VCV004827339.1).
Genomic context (GRCh38, chr19:11,033,801, plus strand): 5'-GACTGAAGTCCTCTATTTATCCACAGAGCAGACACTGCAGCACGGGCAGCGGCAGTGCCA[G>C]CTTCGCCCACACTGCCCCTCCGCCAGCGGGCGTCAACCCCGACTTGGAGGAGCCACCTCT-3'
Protein context (NP_003063.2, residues 1260-1280): RHCSTGSGSA[Ser1270Thr]FAHTAPPPAG

ClinVar aggregate classification (germline): Uncertain significance (1 of 4 stars; one submission).

Conditions:
Hereditary cancer-predisposing syndrome. Also called: Neoplastic Syndromes, Hereditary; Tumor predisposition; Hereditary Cancer Syndrome; Hereditary neoplastic syndrome. Identifiers: Orphanet 140162, MedGen C0027672, MeSH D009386, MONDO:0015356.

Submission:

Ambry Genetics
Classification: Uncertain significance for Hereditary cancer-predisposing syndrome. Last evaluated: 2026-03-10. Review status: criteria provided, single submitter. Criteria: Ambry Variant Classification Scheme 2023. Collection method: clinical testing. Allele origin: germline.
Comment: The p.S1270T variant (also known as c.3809G>C), located in coding exon 26 of the SMARCA4 gene, results from a G to C substitution at nucleotide position 3809. The serine at codon 1270 is replaced by threonine, an amino acid with similar properties. This amino acid position is conserved. In addition, this alteration is predicted to be tolerated by in silico analysis. Based on the available evidence, the clinical significance of this variant remains unclear.